The following is an entry in ClinVar:

ClinVar aggregate classification (germline): Conflicting classifications of pathogenicity. Review status: criteria provided, conflicting classifications (1 of 4 stars). 2 submissions from 2 submitters: Uncertain significance (1); Likely benign (1). Last evaluated 2024-09-11.

Submissions (2):

Blueprint Genetics
Classification: Likely benign. Last evaluated: 2024-09-11. Review status: criteria provided, single submitter. Criteria: ACMG Guidelines, 2015. Collection method: clinical testing. Allele origin: germline.

Labcorp Genetics (formerly Invitae), Labcorp
Classification: Uncertain significance. Last evaluated: 2024-02-24. Review status: criteria provided, single submitter. Criteria: Invitae Variant Classification Sherloc (09022015). Collection method: clinical testing. Allele origin: germline.
Comment: This variant, c.6782_6784del, results in the deletion of 1 amino acid(s) of the VCAN protein (p.Glu2261del), but otherwise preserves the integrity of the reading frame. This variant is present in population databases (rs769151080, gnomAD 0.006%). This variant has been observed in individual(s) with clinical features of retinitis pigmentosa (Invitae). Experimental studies and prediction algorithms are not available or were not evaluated, and the functional significance of this variant is currently unknown. In summary, the available evidence is currently insufficient to determine the role of this variant in disease. Therefore, it has been classified as a Variant of Uncertain Significance.

NM_004385.5(VCAN):c.6779AAG[1] (p.Glu2261del)

Genes: VCAN (versican; plus strand), VCAN-AS1 (VCAN antisense RNA 1; minus strand). Cytogenetic location: 5q14.3.
Variant type: Microsatellite.
Coding change: c.6779AAG[1] on transcript NM_004385.5 (MANE Select); one copy of the 3-base unit AAG starting at c.6779; the reference has two copies in a row; one copy, 3 bases deleted.
Protein change: p.Glu2261del; deletes glutamic acid 2261.
Molecular consequence: inframe deletion. On other transcripts: intron variant (2).
Genome position (GRCh38, 1-based): chr5:83,539,785-83,539,787, AAG deleted; deleting any 3 consecutive bases within chr5:83,539,780-83,539,787 gives the same sequence; the position shown is the placement nearest the transcript's 3' end. VCF-style (leftmost placement, unchanged base first): chr5-83539779-GAGA-G. GRCh37 (hg19) VCF-style: chr5-82835598-GAGA-G.
Other names: c.3818AAG[1], p.Glu1274del (NM_001164097.2); c.4004-5752_4004-5750del (NM_001164098.2); c.1043-5752_1043-5750del (NM_001126336.3); short protein forms E1274del, E2261del.
Identifiers: ClinVar variation 2417430 (VCV002417430.6), dbSNP rs769151080, ClinGen allele CA3333529.